The following is an entry in ClinVar:

ClinVar aggregate classification (germline): Uncertain significance (1 of 4 stars; one submission).

gnomAD v4.1: 3 of 1,611,304 alleles (0.00019%); highest among the groups gnomAD compares: Non-Finnish European, 0.00025%; no homozygotes.

Submission:

Labcorp Genetics (formerly Invitae), Labcorp
Classification: Uncertain significance. Last evaluated: 2025-09-10. Review status: criteria provided, single submitter. Criteria: Invitae Variant Classification Sherloc (09022015). Collection method: clinical testing. Allele origin: germline.
Comment: This sequence change replaces isoleucine, which is neutral and non-polar, with valine, which is neutral and non-polar, at codon 954 of the NYNRIN protein (p.Ile954Val). This variant is not present in population databases (gnomAD no frequency). This variant has not been reported in the literature in individuals affected with NYNRIN-related conditions. An algorithm developed to predict the effect of missense changes on protein structure and function outputs the following: PolyPhen-2: "Not Available". The valine amino acid residue is found in multiple mammalian species, which suggests that this missense change does not adversely affect protein function. In summary, the available evidence is currently insufficient to determine the role of this variant in disease. Therefore, it has been classified as a Variant of Uncertain Significance.

NM_025081.3(NYNRIN):c.2860A>G (p.Ile954Val)

Gene: NYNRIN (NYN domain and retroviral integrase containing; plus strand). Cytogenetic location: 14q12.
Variant type: single nucleotide variant.
Coding change: c.2860A>G on transcript NM_025081.3 (MANE Select); coding-DNA position 2860, A replaced by G.
Protein change: p.Ile954Val; replaces isoleucine 954 with valine.
Molecular consequence: missense variant.
Genome position (GRCh38, 1-based): chr14:24,414,609, A>G. VCF-style: chr14-24414609-A-G. GRCh37 (hg19) VCF-style: chr14-24883815-A-G.
Other names: short protein forms I954V.
Identifiers: ClinVar variation 4803860 (VCV004803860.1).
Genomic context (GRCh38, chr14:24,414,609, plus strand): 5'-TGCTCACGATGGGGCTGCCCTTCCCTCTTCCATCTGTTTTGGTGTAGGTTGGACACTGAC[A>G]TTGGCAACTTCCTGAAGGTGTGGAAGACCCTTCCTCCCAGCTCAGCCAGTGTCACTGAGC-3'
Protein context (NP_079357.2, residues 944-964): LKKPNRLDTD[Ile954Val]GNFLKVWKTL